The following is an entry in ClinVar:

NM_001130144.3(LTBP3):c.738G>C (p.Glu246Asp)

Gene: LTBP3 (latent transforming growth factor beta binding protein 3; minus strand). Cytogenetic location: 11q13.1.
Variant type: single nucleotide variant.
Coding change: c.738G>C on transcript NM_001130144.3 (MANE Select); coding-DNA position 738, G replaced by C.
Protein change: p.Glu246Asp; replaces glutamic acid 246 with aspartic acid.
Molecular consequence: missense variant.
Genome position (GRCh38, 1-based): chr11:65,553,827, C>G on the plus strand (G>C on the coding strand, the complement: LTBP3 is on the minus strand). VCF-style: chr11-65553827-C-G. GRCh37 (hg19) VCF-style: chr11-65321298-C-G.
Other names: c.387G>C, p.Glu129Asp (NM_001164266.1); c.738G>C, p.Glu246Asp (NM_021070.4); short protein forms E129D, E246D.
Identifiers: ClinVar variation 4777980 (VCV004777980.1).

ClinVar aggregate classification (germline): Uncertain significance (1 of 4 stars; one submission).

Conditions:
Brachyolmia-amelogenesis imperfecta syndrome. Also called: Tooth agenesis, selective, 6; Dental anomalies and short stature; PLATYSPONDYLY WITH AMELOGENESIS IMPERFECTA. Identifiers: Orphanet 2899, MedGen C1832594, MONDO:0011018, OMIM 601216. Disease mechanism: loss of function.

Submission:

Labcorp Genetics (formerly Invitae), Labcorp
Classification: Uncertain significance for Brachyolmia-amelogenesis imperfecta syndrome. Last evaluated: 2025-09-09. Review status: criteria provided, single submitter. Criteria: Invitae Variant Classification Sherloc (09022015). Collection method: clinical testing. Allele origin: germline.
Comment: This sequence change replaces glutamic acid, which is acidic and polar, with aspartic acid, which is acidic and polar, at codon 246 of the LTBP3 protein (p.Glu246Asp). This variant is not present in population databases (gnomAD no frequency). This variant has not been reported in the literature in individuals affected with LTBP3-related conditions. An algorithm developed to predict the effect of missense changes on protein structure and function (PolyPhen-2) suggests that this variant is likely to be tolerated. Algorithms developed to predict the effect of sequence changes on RNA splicing suggest that this variant may create or strengthen a splice site. In summary, the available evidence is currently insufficient to determine the role of this variant in disease. Therefore, it has been classified as a Variant of Uncertain Significance.